The following is an entry in ClinVar:

NM_032551.5(KISS1R):c.1A>G (p.Met1Val)

Gene: KISS1R (KISS1 receptor; plus strand). Cytogenetic location: 19p13.3.
Variant type: single nucleotide variant.
Coding change: c.1A>G on transcript NM_032551.5 (MANE Select); coding-DNA position 1, A replaced by G.
Protein change: p.Met1Val; changes the start codon (methionine 1).
Molecular consequence: missense variant, initiator codon variant.
Genome position (GRCh38, 1-based): chr19:917,503, A>G. VCF-style: chr19-917503-A-G. GRCh37 (hg19) VCF-style: chr19-917503-A-G.
Other names: short protein forms M1V.
Identifiers: ClinVar variation 5002943 (VCV005002943.1).

ClinVar aggregate classification (germline): Uncertain significance (1 of 4 stars; one submission).

Submission:

OLLIN Analises Genomicas, OLLIN
Classification: Uncertain significance. Last evaluated: 2026-08-06. Review status: criteria provided, single submitter. Criteria: ACMG Guidelines 2015 PMID 25741868. Collection method: clinical testing. Allele origin: germline.
Comment: This variant, located in exon 1 (of 5), has been observed in gnomAD with an allele frequency of 0.000202%, but has not been reported in ClinVar or identified in the literature. According to the currently available evidence, this variant has been classified as uncertain significance (PVS1_P, PM2_P).